The following is an entry in ClinVar:

NM_004172.5(SLC1A3):c.68G>A (p.Arg23His)

Gene: SLC1A3 (solute carrier family 1 member 3; plus strand). Cytogenetic location: 5p13.2.
Variant type: single nucleotide variant.
Coding change: c.68G>A on transcript NM_004172.5 (MANE Select); coding-DNA position 68, G replaced by A.
Protein change: p.Arg23His; replaces arginine 23 with histidine.
Molecular consequence: missense variant.
Genome position (GRCh38, 1-based): chr5:36,608,491, G>A. VCF-style: chr5-36608491-G-A. GRCh37 (hg19) VCF-style: chr5-36608593-G-A.
Other names: c.68G>A, p.Arg23His (NM_001166695.3, NM_001166696.3, NM_001289939.2 and 1 more transcripts); short protein forms R23H.
Identifiers: ClinVar variation 805482 (VCV000805482.32), dbSNP rs199774340, ClinGen allele CA3235319.

ClinVar aggregate classification (germline): Benign/Likely benign. Review status: criteria provided, multiple submitters, no conflicts (2 of 4 stars). 5 submissions from 5 submitters: Benign (1); Likely benign (4). Last evaluated 2025-10-29.

Conditions:
SLC1A3-related disorder. Also called: SLC1A3-related condition.
Episodic ataxia type 6. Identifiers: Orphanet 209967, MedGen C2675211, MONDO:0012982, OMIM 612656.

Allele frequency attached by ClinVar (database versions not stated): TOPMed 0.00011; gnomAD 0.00026; gnomAD exomes 0.00043; ExAC 0.00049.
gnomAD v4.1: 434 of 1,613,968 alleles (0.027%); highest among the groups gnomAD compares: Non-Finnish European, 0.026%; no homozygotes.

Submissions (5):

PreventionGenetics, part of Exact Sciences
Classification: Likely benign for SLC1A3-related condition. Last evaluated: 2025-10-29. Review status: criteria provided, single submitter. Criteria: ACMG Guidelines, 2015. Collection method: clinical testing. Allele origin: germline.
Comment: This variant is classified as likely benign based on ACMG/AMP sequence variant interpretation guidelines (Richards et al. 2015 PMID: 25741868, with internal and published modifications).

Labcorp Genetics (formerly Invitae), Labcorp
Classification: Likely benign. Last evaluated: 2025-10-01. Review status: criteria provided, single submitter. Criteria: Invitae Variant Classification Sherloc (09022015). Collection method: clinical testing. Allele origin: germline.

Athena Diagnostics
Classification: Benign. Last evaluated: 2024-06-10. Review status: criteria provided, single submitter. Criteria: Athena Diagnostics Criteria. Collection method: clinical testing. Allele origin: unknown.

CeGaT Center for Human Genetics Tuebingen
Classification: Likely benign. Last evaluated: 2022-05-01. Review status: criteria provided, single submitter. Criteria: CeGaT Center For Human Genetics Tuebingen Variant Classification Criteria Version 2. Collection method: clinical testing. Allele origin: germline. Affected: yes. Observed: 1 variant allele.
Comment: SLC1A3: BP4

Fulgent Genetics
Classification: Likely benign for Episodic ataxia type 6. Last evaluated: 2021-11-05. Review status: criteria provided, single submitter. Criteria: ACMG Guidelines, 2015. Collection method: clinical testing. Allele origin: unknown.